The following is an entry in ClinVar:

NM_198880.3(QRICH1):c.1081A>T (p.Met361Leu)

Gene: QRICH1 (glutamine rich 1; minus strand). Cytogenetic location: 3p21.31.
Variant type: single nucleotide variant.
Coding change: c.1081A>T on transcript NM_198880.3 (MANE Select); coding-DNA position 1081, A replaced by T.
Protein change: p.Met361Leu; replaces methionine 361 with leucine.
Molecular consequence: missense variant.
Genome position (GRCh38, 1-based): chr3:49,057,119, T>A on the plus strand (A>T on the coding strand, the complement: QRICH1 is on the minus strand). VCF-style: chr3-49057119-T-A. GRCh37 (hg19) VCF-style: chr3-49094552-T-A.
Other names: c.1081A>T, p.Met361Leu (NM_001320580.2, NM_001320581.2, NM_001320582.2 and 4 more transcripts); short protein forms M361L.
Identifiers: ClinVar variation 3391636 (VCV003391636.1).

ClinVar aggregate classification (germline): Uncertain significance (1 of 4 stars; one submission).

Submission:

GeneDx
Classification: Uncertain significance. Last evaluated: 2024-06-18. Review status: criteria provided, single submitter. Criteria: GeneDx Variant Classification Process June 2021. Collection method: clinical testing. Allele origin: germline. Affected: yes.
Comment: Not observed at significant frequency in large population cohorts (gnomAD); In silico analysis indicates that this missense variant does not alter protein structure/function; Has not been previously published as pathogenic or benign to our knowledge